The following is an entry in ClinVar:

ClinVar aggregate classification (germline): Conflicting classifications of pathogenicity. Review status: criteria provided, conflicting classifications (1 of 4 stars). 5 submissions from 5 submitters: Uncertain significance (4); Likely benign (1). Last evaluated 2025-11-13.

Conditions:
Inborn genetic diseases. Identifiers: MedGen C0950123, MeSH D030342.
Bethlem myopathy 1A. Also called: MYOPATHY, BENIGN CONGENITAL, WITH CONTRACTURES; Bethlem myopathy 1; Bethlem Muscular Dystrophy. Identifiers: Orphanet 610, MedGen CN029274, MONDO:0024530, OMIM 158810.

Allele frequency attached by ClinVar (database versions not stated): TOPMed 0.00019; gnomAD 0.00021; 1000 Genomes Project 30x 0.00016; 1000 Genomes Project 0.00020.
gnomAD v4.1: 126 of 1,605,522 alleles (0.0078%); highest among the groups gnomAD compares: African/African-American, 0.059%; no homozygotes.

Submissions (5):

Labcorp Genetics (formerly Invitae), Labcorp
Classification: Likely benign for Bethlem myopathy 1A. Last evaluated: 2025-11-13. Review status: criteria provided, single submitter. Criteria: Invitae Variant Classification Sherloc (09022015). Collection method: clinical testing. Allele origin: germline.

Revvity Omics, Revvity
Classification: Uncertain significance. Last evaluated: 2024-07-02. Review status: criteria provided, single submitter. Criteria: ACMG Guidelines, 2015. Collection method: clinical testing. Allele origin: germline.

Ambry Genetics
Classification: Uncertain significance for Inborn genetic diseases. Last evaluated: 2021-08-13. Review status: criteria provided, single submitter. Criteria: Ambry Variant Classification Scheme 2023. Collection method: clinical testing. Allele origin: germline.

GeneDx
Classification: Uncertain significance. Last evaluated: 2020-02-10. Review status: criteria provided, single submitter. Criteria: GeneDx Variant Classification Process June 2021. Collection method: clinical testing. Allele origin: germline. Affected: yes.
Comment: In silico analysis supports that this missense variant does not alter protein structure/function; Has not been previously published as pathogenic or benign to our knowledge

Eurofins Ntd Llc (ga)
Classification: Uncertain significance. Last evaluated: 2013-05-03. Review status: criteria provided, single submitter. Criteria: EGL Classification Definitions 2015. Collection method: clinical testing. Allele origin: germline. Observed: 1 variant allele, 1 heterozygote.

NM_001849.4(COL6A2):c.2761G>A (p.Val921Met)

Gene: COL6A2 (collagen type VI alpha 2 chain; plus strand). Cytogenetic location: 21q22.3.
Variant type: single nucleotide variant.
Coding change: c.2761G>A on transcript NM_001849.4 (MANE Select); coding-DNA position 2761, G replaced by A.
Protein change: p.Val921Met; replaces valine 921 with methionine.
Molecular consequence: missense variant.
Genome position (GRCh38, 1-based): chr21:46,132,253, G>A. VCF-style: chr21-46132253-G-A. GRCh37 (hg19) VCF-style: chr21-47552167-G-A.
Identifiers: ClinVar variation 93946 (VCV000093946.21), dbSNP rs398123650, ClinGen allele CA221834.